The following is an entry in ClinVar:

NM_002693.3(POLG):c.2266-44G>T

Gene: POLG (DNA polymerase gamma, catalytic subunit; minus strand). Cytogenetic location: 15q26.1.
Variant type: single nucleotide variant.
Coding change: c.2266-44G>T on transcript NM_002693.3 (MANE Select); 44 bases into the intron before coding-DNA position 2266, G replaced by T.
Molecular consequence: intron variant.
Genome position (GRCh38, 1-based): chr15:89,322,946, C>A on the plus strand (G>T on the coding strand, the complement: POLG is on the minus strand). VCF-style: chr15-89322946-C-A. GRCh37 (hg19) VCF-style: chr15-89866177-C-A.
Other names: c.2266-44G>T (NM_001126131.2).
Identifiers: ClinVar variation 619467 (VCV000619467.1), dbSNP rs1335068171, ClinGen allele CA10602316.

ClinVar aggregate classification (germline): Likely benign (1 of 4 stars; one submission).

Conditions:
Progressive sclerosing poliodystrophy (MTDPS4A). Also called: Alpers-Huttenlocher Syndrome (AHS); Alpers Syndrome; ALPERS PROGRESSIVE INFANTILE POLIODYSTROPHY; Mitochondrial DNA depletion syndrome 4A (Alpers type); ALPERS DIFFUSE DEGENERATION OF CEREBRAL GRAY MATTER WITH HEPATIC CIRRHOSIS; Alpers-Huttenlocher Syndrome. Identifiers: Orphanet 726, MedGen C0205710, MONDO:0008758, OMIM 203700.

Allele frequency attached by ClinVar (database versions not stated): gnomAD exomes 0.00001; TOPMed 0.00001; gnomAD 0.00002.
gnomAD v4.1: 24 of 1,600,240 alleles (0.0015%); highest among the groups gnomAD compares: Non-Finnish European, 0.0019%; no homozygotes.

Submission:

Wong Mito Lab, Molecular and Human Genetics, Baylor College of Medicine
Classification: Likely benign for Progressive sclerosing poliodystrophy. Last evaluated: 2018-10-01. Review status: criteria provided, single submitter. Criteria: ACMG Guidelines, 2015. Collection method: clinical testing. Allele origin: germline.
Comment: The NM_002693.2:c.2266-44G>T (NP_002684.1:p.=) [GRCH38: NC_000015.10:g.89322946C>A] variant in POLG gene is interpretated to be a Likely Benign based on ACMG guidelines (PMID: 25741868). This variant meets the following evidence codes reported in the ACMG-guideline. BP4:Computational evidence/predictors indicate no impact on the POLG structure, function, or protein-protein interaction. BP6:Reputable source(s) without shared data suggest the variant is benign. Based on the evidence criteria codes applied, the variant is suggested to be Likely Benign.